The following is an entry in ClinVar:

NM_001040108.2(MLH3):c.2389_2390delinsGA (p.Arg797Asp)

Gene: MLH3 (mutL homolog 3; minus strand). Cytogenetic location: 14q24.3.
Variant type: Indel.
Coding change: c.2389_2390delinsGA on transcript NM_001040108.2 (MANE Select); coding-DNA positions 2389 to 2390, CG replaced by GA.
Protein change: p.Arg797Asp; replaces arginine 797 with aspartic acid.
Molecular consequence: missense variant.
Genome position (GRCh38, 1-based): chr14:75,047,266-75,047,267, CG replaced by TC on the plus strand (CG replaced by GA on the coding strand, the reverse complement: MLH3 is on the minus strand). VCF-style: chr14-75047266-CG-TC. GRCh37 (hg19) VCF-style: chr14-75513969-CG-TC.
Other names: c.2389_2390delinsGA, p.Arg797Asp (NM_014381.3); short protein forms R797D.
Identifiers: ClinVar variation 4860221 (VCV004860221.1).
Genomic context (GRCh38, chr14:75,047,266, plus strand): 5'-CTACTATCTGAATCACTATGCTCCATAGTAGTGATTTTACAAACATCAGAGTTCTCTAAG[CG>TC]GTTCTTGTCCTTCAGCAGAATGTCAGGTTCAACTTGAAGACTGAGATTGGTAGTGACTCC-3'
Protein context (NP_001035197.1, residues 787-807): EPDILLKDKN[Arg797Asp]LENSDVCKIT

ClinVar aggregate classification (germline): Uncertain significance (1 of 4 stars; one submission).

Submission:

Ambry Genetics
Classification: Uncertain significance. Last evaluated: 2026-06-02. Review status: criteria provided, single submitter. Criteria: Ambry Variant Classification Scheme 2023. Collection method: clinical testing. Allele origin: germline.
Comment: The c.2389_2390delCGinsGA variant (also known as p.R797D), located in coding exon 1 of the MLH3 gene, results from an in-frame deletion of CG and insertion of GA at nucleotide positions 2389 to 2390. This results in the substitution of the arginine residue for an aspartic acid residue at codon 797, an amino acid with similar properties. This amino acid position is not well conserved in available vertebrate species. In addition, this variant is predicted to be neutral by in silico analysis (Choi Y et al. PLoS ONE. 2012; 7(10):e46688). Based on the available evidence, the clinical significance of this variant remains unclear.